The following is an entry in ClinVar:

NM_004082.5(DCTN1):c.3128G>A (p.Arg1043His)

Gene: DCTN1 (dynactin subunit 1; minus strand). Cytogenetic location: 2p13.1.
Variant type: single nucleotide variant.
Coding change: c.3128G>A on transcript NM_004082.5 (MANE Select); coding-DNA position 3128, G replaced by A.
Protein change: p.Arg1043His; replaces arginine 1043 with histidine.
Molecular consequence: missense variant. On other transcripts: non-coding transcript variant (1).
Genome position (GRCh38, 1-based): chr2:74,365,143, C>T on the plus strand (G>A on the coding strand, the complement: DCTN1 is on the minus strand). VCF-style: chr2-74365143-C-T. GRCh37 (hg19) VCF-style: chr2-74592270-C-T.
Other names: p.Arg1043His; c.3068G>A, p.Arg1023His (NM_001135040.3); c.2726G>A, p.Arg909His (NM_001135041.3, NM_023019.4); c.3017G>A, p.Arg1006His (NM_001190836.2); c.3107G>A, p.Arg1036His (NM_001190837.2); c.3077G>A, p.Arg1026His (NM_001378991.1); c.3059G>A, p.Arg1020His (NM_001378992.1); short protein forms R1006H, R1043H, R909H, R1023H, R1036H, R1020H, R1026H.
Identifiers: ClinVar variation 425206 (VCV000425206.52), dbSNP rs776489779, ClinGen allele CA1721621.
Genomic context (GRCh38, chr2:74,365,143, plus strand): 5'-ATGCCAGAGACCAGAGTAGCAATGCCTGAAGGAGGAGGGCCCCGGAGTCCCTCAATCGTG[C>T]GTTTGGACTGGCTGTTCAGACGCTGCTTTAGTTCTGCCTTCTCTGCCTCCAGCTGGTCGA-3'
Protein context (NP_004073.2, residues 1033-1053): LKQRLNSQSK[Arg1043His]TIEGLRGPPP

ClinVar aggregate classification (germline): Conflicting classifications of pathogenicity. Review status: criteria provided, conflicting classifications (1 of 4 stars). 4 submissions from 4 submitters: Uncertain significance (3); Likely benign (1). Last evaluated 2026-07-09.

Conditions:
DCTN1-related disorder. Also called: DCTN1-related condition.
Amyotrophic lateral sclerosis type 1 (ALS1). Also called: AMYOTROPHIC LATERAL SCLEROSIS 1, FAMILIAL. Identifiers: Orphanet 803, MedGen C1862939, MONDO:0007103, OMIM 105400.
Neuronopathy, distal hereditary motor, type 7B. Also called: Distal Hereditary Motor Neuronopathy Type 7B (dHMN7B); LOWER MOTOR NEURON DISEASE, DYNACTIN TYPE; NEURONOPATHY, DISTAL HEREDITARY MOTOR, AUTOSOMAL DOMINANT 14; NEURONOPATHY, DISTAL HEREDITARY MOTOR, HARDING TYPE VIIB; NEUROPATHY, DISTAL HEREDITARY MOTOR, HARDING TYPE VIIB; NEUROPATHY, DISTAL HEREDITARY MOTOR, WITH VOCAL CORD PARALYSIS, HARDING TYPE VIIB. Identifiers: Orphanet 139589, MedGen C1843315, MONDO:0011879, OMIM 607641.
Perry syndrome. Also called: PARKINSONISM WITH ALVEOLAR HYPOVENTILATION AND MENTAL DEPRESSION. Identifiers: Orphanet 178509, MedGen C1868594, MONDO:0008201, OMIM 168605.

Allele frequency attached by ClinVar (database versions not stated): TOPMed 0.00006; gnomAD exomes 0.00008 and 0.00010; ExAC 0.00009; gnomAD 0.00013.
gnomAD v4.1: 155 of 1,614,040 alleles (0.0096%); highest among the groups gnomAD compares: Non-Finnish European, 0.0086%; no homozygotes.

Submissions (4):

PreventionGenetics, part of Exact Sciences
Classification: Uncertain significance for DCTN1-related condition. Last evaluated: 2026-07-09. Review status: criteria provided, single submitter. Criteria: ACMG Guidelines, 2015. Collection method: clinical testing. Allele origin: germline.
Comment: The DCTN1 c.3128G>A variant is predicted to result in the amino acid substitution p.Arg1043His. To our knowledge, this variant has not been reported in the literature. This variant is reported in 0.040% of alleles in individuals of European (Finnish) descent in gnomAD. A different missense change impacting the same amino acid (c.3128G>C, p.Arg1043Pro) has been reported in an individual with amyotrophic lateral sclerosis (described as "c.G2726C:p.R909P" in Table S2, Liu et al. 2021. PubMed ID: 34275688). At this time, the clinical significance of the c.3128G>A (p.Arg1043His) variant is uncertain due to the absence of conclusive functional and genetic evidence.

Labcorp Genetics (formerly Invitae), Labcorp
Classification: Likely benign for Amyotrophic lateral sclerosis type 1; Neuronopathy, distal hereditary motor, type 7B; Perry syndrome. Last evaluated: 2026-01-21. Review status: criteria provided, single submitter. Criteria: Invitae Variant Classification Sherloc (09022015). Collection method: clinical testing. Allele origin: germline.

Mayo Clinic Laboratories, Mayo Clinic
Classification: Uncertain significance. Last evaluated: 2024-01-12. Review status: criteria provided, single submitter. Criteria: ACMG Guidelines, 2015. Collection method: clinical testing. Allele origin: germline. Observed: 2 variant alleles.
Comment: BS2

CeGaT Center for Human Genetics Tuebingen
Classification: Uncertain significance. Last evaluated: 2016-11-01. Review status: criteria provided, single submitter. Criteria: CeGaT Center For Human Genetics Tuebingen Variant Classification Criteria Version 2. Collection method: clinical testing. Allele origin: germline. Affected: yes. Observed: 1 variant allele.